The following is an entry in ClinVar:

NM_006180.6(NTRK2):c.40C>T (p.Arg14Trp)

Gene: NTRK2 (neurotrophic receptor tyrosine kinase 2; plus strand). Cytogenetic location: 9q21.33.
Variant type: single nucleotide variant.
Coding change: c.40C>T on transcript NM_006180.6 (MANE Select); coding-DNA position 40, C replaced by T.
Protein change: p.Arg14Trp; replaces arginine 14 with tryptophan.
Molecular consequence: missense variant.
Genome position (GRCh38, 1-based): chr9:84,670,788, C>T. VCF-style: chr9-84670788-C-T. GRCh37 (hg19) VCF-style: chr9-87285703-C-T.
Other names: c.40C>T, p.Arg14Trp (NM_001007097.3, NM_001018064.3, NM_001018065.2 and 18 more transcripts); c.40C>T (NM_006180.4); short protein forms R14W.
Identifiers: ClinVar variation 1425011 (VCV001425011.9), dbSNP rs2058651148, ClinGen allele CA374004604.

ClinVar aggregate classification (germline): Uncertain significance. Review status: criteria provided, multiple submitters, no conflicts (2 of 4 stars). 2 submissions from 2 submitters: Uncertain significance (2). Last evaluated 2025-11-27.

Conditions:
NTRK2-related disorder. Also called: NTRK2-related condition.

Allele frequency attached by ClinVar (database versions not stated): gnomAD exomes below 0.00001; gnomAD 0.00001; TOPMed 0.00001.
gnomAD v4.1: 3 of 1,613,812 alleles (0.00019%); highest among the groups gnomAD compares: Admixed American, 0.0033%; no homozygotes.

Submissions (2):

Labcorp Genetics (formerly Invitae), Labcorp
Classification: Uncertain significance. Last evaluated: 2025-11-27. Review status: criteria provided, single submitter. Criteria: Invitae Variant Classification Sherloc (09022015). Collection method: clinical testing. Allele origin: germline.
Comment: This sequence change replaces arginine, which is basic and polar, with tryptophan, which is neutral and slightly polar, at codon 14 of the NTRK2 protein (p.Arg14Trp). This variant is not present in population databases (gnomAD no frequency). This variant has not been reported in the literature in individuals affected with NTRK2-related conditions. ClinVar contains an entry for this variant (Variation ID: 1425011). Invitae Evidence Modeling of protein sequence and biophysical properties (such as structural, functional, and spatial information, amino acid conservation, physicochemical variation, residue mobility, and thermodynamic stability) indicates that this missense variant is not expected to disrupt NTRK2 protein function with a negative predictive value of 95%. In summary, the available evidence is currently insufficient to determine the role of this variant in disease. Therefore, it has been classified as a Variant of Uncertain Significance.

PreventionGenetics, part of Exact Sciences
Classification: Uncertain significance for NTRK2-related condition. Last evaluated: 2025-02-04. Review status: criteria provided, single submitter. Criteria: ACMG Guidelines, 2015. Collection method: clinical testing. Allele origin: germline.
Comment: The NTRK2 c.40C>T variant is predicted to result in the amino acid substitution p.Arg14Trp. To our knowledge, this variant has not been reported in the literature or in a large population database (gnomAD), indicating this variant is rare. At this time, the clinical significance of this variant is uncertain due to the absence of conclusive functional and genetic evidence.